The following is an entry in ClinVar:

ClinVar aggregate classification (germline): Uncertain significance. Review status: criteria provided, multiple submitters, no conflicts (2 of 4 stars). 2 submissions from 2 submitters: Uncertain significance (2). Last evaluated 2025-11-23.

gnomAD v4.1: 87 of 1,613,912 alleles (0.0054%); highest among the groups gnomAD compares: African/African-American, 0.085%; no homozygotes.

Submissions (2):

Labcorp Genetics (formerly Invitae), Labcorp
Classification: Uncertain significance. Last evaluated: 2025-11-23. Review status: criteria provided, single submitter. Criteria: Invitae Variant Classification Sherloc (09022015). Collection method: clinical testing. Allele origin: germline.
Comment: This sequence change replaces alanine, which is neutral and non-polar, with serine, which is neutral and polar, at codon 1240 of the NYNRIN protein (p.Ala1240Ser). This variant is present in population databases (rs138467096, gnomAD 0.1%), and has an allele count higher than expected for a pathogenic variant. This variant has not been reported in the literature in individuals affected with NYNRIN-related conditions. ClinVar contains an entry for this variant (Variation ID: 4124662). Experimental studies and prediction algorithms are not available or were not evaluated, and the functional significance of this variant is currently unknown. In summary, the available evidence is currently insufficient to determine the role of this variant in disease. Therefore, it has been classified as a Variant of Uncertain Significance.

Ambry Genetics
Classification: Uncertain significance. Last evaluated: 2025-08-27. Review status: criteria provided, single submitter. Criteria: Ambry Variant Classification Scheme 2023. Collection method: clinical testing. Allele origin: germline.

NM_025081.3(NYNRIN):c.3718G>T (p.Ala1240Ser)

Gene: NYNRIN (NYN domain and retroviral integrase containing; plus strand). Cytogenetic location: 14q12.
Variant type: single nucleotide variant.
Coding change: c.3718G>T on transcript NM_025081.3 (MANE Select); coding-DNA position 3718, G replaced by T.
Protein change: p.Ala1240Ser; replaces alanine 1240 with serine.
Molecular consequence: missense variant.
Genome position (GRCh38, 1-based): chr14:24,415,467, G>T. VCF-style: chr14-24415467-G-T. GRCh37 (hg19) VCF-style: chr14-24884673-G-T.
Other names: short protein forms A1240S.
Identifiers: ClinVar variation 4124662 (VCV004124662.2).